The following is an entry in ClinVar:

NM_001374385.1(ATP8B1):c.1430-42A>G

Gene: ATP8B1 (ATPase phospholipid transporting 8B1; minus strand). Cytogenetic location: 18q21.31.
Variant type: single nucleotide variant.
Coding change: c.1430-42A>G on transcript NM_001374385.1 (MANE Select); 42 bases into the intron before coding-DNA position 1430, A replaced by G.
Molecular consequence: intron variant.
Genome position (GRCh38, 1-based): chr18:57,685,157, T>C on the plus strand (A>G on the coding strand, the complement: ATP8B1 is on the minus strand). VCF-style: chr18-57685157-T-C. GRCh37 (hg19) VCF-style: chr18-55352389-T-C.
Other names: c.1430-42A>G (NM_005603.6); c.1280-42A>G (NM_001374386.1).
Identifiers: ClinVar variation 1266607 (VCV001266607.4), dbSNP rs11659313, ClinGen allele CA8974582.
Genomic context (GRCh38, chr18:57,685,157, plus strand): 5'-GAGGCATCCCGATGGTCCCCTGAGAAACAAACAGGACAAAACAAATTGATTCTACACCTA[T>C]GTCCAGAGGCCCCTCCTTACCTGGCTTTGCTTATATAGTGATGGTGGTAAGACCATATAC-3'

ClinVar aggregate classification (germline): Benign. Review status: criteria provided, multiple submitters, no conflicts (2 of 4 stars). 3 submissions from 3 submitters: Benign (3). Last evaluated 2026-04-14.

Conditions:
Familial intrahepatic cholestasis. Identifiers: Orphanet 284385, MedGen CN296401, MONDO:0017290.

Allele frequency attached by ClinVar (database versions not stated): gnomAD exomes 0.15934 and 0.16746; ExAC 0.17197; TOPMed 0.18738; ESP Exome Variant Server 0.19299; gnomAD 0.19428 and 0.19588; 1000 Genomes Project 30x 0.21783; 1000 Genomes Project 0.22085.
gnomAD v4.1: 261,857 of 1,607,326 alleles (16%); highest among the groups gnomAD compares: African/African-American, 29%; 22,592 homozygotes.

Submissions (3):

Genomenon, Inc
Classification: Benign for Familial intrahepatic cholestasis. Last evaluated: 2026-04-14. Review status: criteria provided, single submitter. Criteria: Genomenon Sequence Variant Interpretation Standards - Updated. Collection method: curation. Allele origin: germline. Affected: no.
Comment: ATP8B1 c.1430-42A>G is an intronic variant located in intron 13. This variant is present at high allele frequency in population databases. In conclusion, we classify ATP8B1 c.1430-42A>G as a benign variant.

GeneDx
Classification: Benign. Last evaluated: 2018-06-23. Review status: criteria provided, single submitter. Criteria: GeneDx Variant Classification Process June 2021. Collection method: clinical testing. Allele origin: germline. Affected: yes.

Breakthrough Genomics
Classification: Benign. Review status: criteria provided, single submitter. Criteria: ACMG Guidelines, 2015. Collection method: not provided. Allele origin: germline. Inheritance: Autosomal recessive inheritance. Affected: yes.